The following is an entry in ClinVar:

NM_031310.3(PLVAP):c.1274T>C (p.Ile425Thr)

Gene: PLVAP (plasmalemma vesicle associated protein; minus strand). Cytogenetic location: 19p13.11.
Variant type: single nucleotide variant.
Coding change: c.1274T>C on transcript NM_031310.3 (MANE Select); coding-DNA position 1274, T replaced by C.
Protein change: p.Ile425Thr; replaces isoleucine 425 with threonine.
Molecular consequence: missense variant.
Genome position (GRCh38, 1-based): chr19:17,360,576, A>G on the plus strand (T>C on the coding strand, the complement: PLVAP is on the minus strand). VCF-style: chr19-17360576-A-G. GRCh37 (hg19) VCF-style: chr19-17471385-A-G.
Other names: c.1274T>C (NM_031310.1); short protein forms I425T.
Identifiers: ClinVar variation 2063005 (VCV002063005.3), dbSNP rs372802462, ClinGen allele CA9293815.
Genomic context (GRCh38, chr19:17,360,576, plus strand): 5'-CCAGTGCCTTACCTGGATGGGGCTACAGGGATGCCTGCAGGGGGCCTCTGGGACTCCAGG[A>G]TCTTCCTCTTGAACTCCTCCAGGCTAGCTGGGTCTGTGGAGGGAGAGAGGTGAGGCTTGA-3'
Protein context (NP_112600.1, residues 415-435): PASLEEFKRK[Ile425Thr]LESQRPPAGI

ClinVar aggregate classification (germline): Uncertain significance. Review status: criteria provided, multiple submitters, no conflicts (2 of 4 stars). 2 submissions from 2 submitters: Uncertain significance (2). Last evaluated 2025-08-25.

Conditions:
Inborn genetic diseases. Identifiers: MedGen C0950123, MeSH D030342.

Allele frequency attached by ClinVar (database versions not stated): ExAC 0.00003; TOPMed 0.00004; gnomAD 0.00005; gnomAD exomes 0.00007; ESP Exome Variant Server 0.00008.
gnomAD v4.1: 112 of 1,613,702 alleles (0.0069%); highest among the groups gnomAD compares: Non-Finnish European, 0.0092%; no homozygotes.

Submissions (2):

Ambry Genetics
Classification: Uncertain significance for Inborn genetic diseases. Last evaluated: 2025-08-25. Review status: criteria provided, single submitter. Criteria: Ambry Variant Classification Scheme 2023. Collection method: clinical testing. Allele origin: germline.

Labcorp Genetics (formerly Invitae), Labcorp
Classification: Uncertain significance. Last evaluated: 2022-08-06. Review status: criteria provided, single submitter. Criteria: Invitae Variant Classification Sherloc (09022015). Collection method: clinical testing. Allele origin: germline.
Comment: In summary, the available evidence is currently insufficient to determine the role of this variant in disease. Therefore, it has been classified as a Variant of Uncertain Significance. Algorithms developed to predict the effect of missense changes on protein structure and function are either unavailable or do not agree on the potential impact of this missense change (SIFT: "Deleterious"; PolyPhen-2: "Possibly Damaging"; Align-GVGD: "Class C0"). This variant has not been reported in the literature in individuals affected with PLVAP-related conditions. This variant is present in population databases (rs372802462, gnomAD 0.01%). This sequence change replaces isoleucine, which is neutral and non-polar, with threonine, which is neutral and polar, at codon 425 of the PLVAP protein (p.Ile425Thr).